The following is an entry in ClinVar:

ClinVar aggregate classification (germline): Uncertain significance (1 of 4 stars; one submission).

Submission:

Ambry Genetics
Classification: Uncertain significance. Last evaluated: 2023-10-19. Review status: criteria provided, single submitter. Criteria: Ambry Variant Classification Scheme 2023. Collection method: clinical testing. Allele origin: germline.
Comment: The p.S220F variant (also known as c.659C>T), located in coding exon 1 of the MLH3 gene, results from a C to T substitution at nucleotide position 659. The serine at codon 220 is replaced by phenylalanine, an amino acid with highly dissimilar properties. This amino acid position is conserved. In addition, the in silico prediction for this alteration is inconclusive. Since supporting evidence is limited at this time, the clinical significance of this alteration remains unclear.

NM_001040108.2(MLH3):c.659C>T (p.Ser220Phe)

Gene: MLH3 (mutL homolog 3; minus strand). Cytogenetic location: 14q24.3.
Variant type: single nucleotide variant.
Coding change: c.659C>T on transcript NM_001040108.2 (MANE Select); coding-DNA position 659, C replaced by T.
Protein change: p.Ser220Phe; replaces serine 220 with phenylalanine.
Molecular consequence: missense variant.
Genome position (GRCh38, 1-based): chr14:75,048,997, G>A on the plus strand (C>T on the coding strand, the complement: MLH3 is on the minus strand). VCF-style: chr14-75048997-G-A. GRCh37 (hg19) VCF-style: chr14-75515700-G-A.
Other names: c.659C>T, p.Ser220Phe (NM_014381.3); short protein forms S220F.
Identifiers: ClinVar variation 3232591 (VCV003232591.1), dbSNP rs2139601597, ClinGen allele CA390449676.
Genomic context (GRCh38, chr14:75,048,997, plus strand): 5'-CTGATATAGCCACTAAGCTCAAACTCTTTATATTTAAAACTTATTTCTCTTAGCTTTTGG[G>A]ACTTTCCCAATCCATAAATTTGACAAAATCGGGAACATACGTCTTTGGTTTTAGGGAGCT-3'
Protein context (NP_001035197.1, residues 210-230): RFCQIYGLGK[Ser220Phe]QKLREISFKY